The following is an entry in ClinVar:

ClinVar aggregate classification (germline): Uncertain significance (1 of 4 stars; one submission).

Conditions:
Juvenile polyposis syndrome (JPS). Identifiers: Orphanet 2929, MedGen C0345893, MONDO:0017380, OMIM 174900.

Submission:

Labcorp Genetics (formerly Invitae), Labcorp
Classification: Uncertain significance for Juvenile polyposis syndrome. Last evaluated: 2021-10-15. Review status: criteria provided, single submitter. Criteria: Invitae Variant Classification Sherloc (09022015). Collection method: clinical testing. Allele origin: germline.
Comment: This sequence change replaces methionine with lysine at codon 157 of the SMAD4 protein (p.Met157Lys). The methionine residue is weakly conserved and there is a moderate physicochemical difference between methionine and lysine. Advanced modeling of protein sequence and biophysical properties (such as structural, functional, and spatial information, amino acid conservation, physicochemical variation, residue mobility, and thermodynamic stability) performed at Invitae indicates that this missense variant is not expected to disrupt SMAD4 protein function. This variant has not been reported in the literature in individuals affected with SMAD4-related conditions. This variant is not present in population databases (ExAC no frequency). In summary, the available evidence is currently insufficient to determine the role of this variant in disease. Therefore, it has been classified as a Variant of Uncertain Significance.

NM_005359.6(SMAD4):c.470T>A (p.Met157Lys)

Gene: SMAD4 (SMAD family member 4; plus strand). Cytogenetic location: 18q21.2.
Variant type: single nucleotide variant.
Coding change: c.470T>A on transcript NM_005359.6 (MANE Select); coding-DNA position 470, T replaced by A.
Protein change: p.Met157Lys; replaces methionine 157 with lysine.
Molecular consequence: missense variant.
Genome position (GRCh38, 1-based): chr18:51,054,796, T>A. VCF-style: chr18-51054796-T-A. GRCh37 (hg19) VCF-style: chr18-48581166-T-A.
Other names: short protein forms M157K.
Identifiers: ClinVar variation 1387351 (VCV001387351.6), dbSNP rs756675590, ClinGen allele CA402460609.